The following is an entry in ClinVar:

NM_207122.2(EXT2):c.764T>C (p.Leu255Pro)

Gene: EXT2 (exostosin glycosyltransferase 2; plus strand). Cytogenetic location: 11p11.2.
Variant type: single nucleotide variant.
Coding change: c.764T>C on transcript NM_207122.2 (MANE Select); coding-DNA position 764, T replaced by C.
Protein change: p.Leu255Pro; replaces leucine 255 with proline.
Molecular consequence: missense variant.
Genome position (GRCh38, 1-based): chr11:44,124,809, T>C. VCF-style: chr11-44124809-T-C. GRCh37 (hg19) VCF-style: chr11-44146359-T-C.
Other names: c.863T>C, p.Leu288Pro (NM_000401.3); c.764T>C, p.Leu255Pro (NM_001178083.3, NM_001389628.1, NM_001389630.1); short protein forms L255P, L288P.
Identifiers: ClinVar variation 3250958 (VCV003250958.18), dbSNP rs2539562648.

ClinVar aggregate classification (germline): Uncertain significance (1 of 4 stars; one submission).

Submission:

CeGaT Center for Human Genetics Tuebingen
Classification: Uncertain significance. Last evaluated: 2024-06-01. Review status: criteria provided, single submitter. Criteria: CeGaT Center For Human Genetics Tuebingen Variant Classification Criteria Version 2. Collection method: clinical testing. Allele origin: germline. Affected: yes. Observed: 1 variant allele.
Comment: EXT2: PM2, PP1, PP4, PS4:Supporting